The following is an entry in ClinVar:

NM_022048.5(CSNK1G1):c.1103A>G (p.Asn368Ser)

Gene: CSNK1G1 (casein kinase 1 gamma 1; minus strand). Cytogenetic location: 15q22.31.
Variant type: single nucleotide variant.
Coding change: c.1103A>G on transcript NM_022048.5 (MANE Select); coding-DNA position 1103, A replaced by G.
Protein change: p.Asn368Ser; replaces asparagine 368 with serine.
Molecular consequence: missense variant.
Genome position (GRCh38, 1-based): chr15:64,203,086, T>C on the plus strand (A>G on the coding strand, the complement: CSNK1G1 is on the minus strand). VCF-style: chr15-64203086-T-C. GRCh37 (hg19) VCF-style: chr15-64495285-T-C.
Other names: c.1103A>G, p.Asn368Ser (NM_001329605.2, NM_001329606.2, NM_001329607.2); short protein forms N368S.
Identifiers: ClinVar variation 3376885 (VCV003376885.1).

ClinVar aggregate classification (germline): Uncertain significance (1 of 4 stars; one submission).

Conditions:
Neurodevelopmental disorder. Identifiers: MedGen C1535926, MeSH D065886, MONDO:0700092.

gnomAD v4.1: 2 of 1,612,320 alleles (0.00012%); highest among the groups gnomAD compares: East Asian, 0.0022%; no homozygotes.

Submission:

Victorian Clinical Genetics Services, Murdoch Childrens Research Institute
Classification: Uncertain significance for Neurodevelopmental disorder. Last evaluated: 2024-10-11. Review status: criteria provided, single submitter. Criteria: ACMG Guidelines, 2015. Collection method: clinical testing. Allele origin: germline. Inheritance: Autosomal dominant inheritance. Affected: yes.
Comment: Based on the classification scheme VCGS_Germline_v1.3.5, this variant is classified as VUS-3B. Following criteria are met: 0105 - The mechanism of disease for this gene is not clearly established. (I) 0107 - This gene is associated with autosomal dominant disease. (I) 0200 - Variant is predicted to result in a missense amino acid change from asparagine to serine. (I) 0251 - This variant is heterozygous. (I) 0302 - Variant is present in gnomAD (v4) <0.001 for a dominant condition (2 heterozygotes, 0 homozygotes). (SP) 0502 - Missense variant with conflicting in silico predictions and uninformative conservation. (I) 0600 - Variant is located in the annotated Casein kinase 1 gamma C terminal domain (DEICPHER). (I) 0705 - No comparable missense variants have previous evidence for pathogenicity. (I) 0807 - This variant has no previous evidence of pathogenicity. (I) 0905 - No published segregation evidence has been identified for this variant. (I) 1007 - No published functional evidence has been identified for this variant. (I) 1207 - Parental origin of the variant is unresolved. (I) Legend: (SP) - Supporting pathogenic, (I) - Information, (SB) - Supporting benign